The following is an entry in ClinVar:

ClinVar aggregate classification (germline): Uncertain significance. Review status: criteria provided, multiple submitters, no conflicts (2 of 4 stars). 4 submissions from 4 submitters: Uncertain significance (4). Last evaluated 2025-07-14.

Conditions:
Cerebellar atrophy, visual impairment, and psychomotor retardation;. Also called: Cerebellar atrophy, visual impairment, and psychomotor retardation. Identifiers: MedGen C4225172, MONDO:0014811, OMIM 616875.

Allele frequency attached by ClinVar (database versions not stated): 1000 Genomes Project 0.00080; ESP Exome Variant Server 0.00008; gnomAD 0.00017 and 0.00016; 1000 Genomes Project 30x 0.00094; gnomAD exomes 0.00007 and 0.00001; ExAC 0.00011; TOPMed 0.00014.
gnomAD v4.1: 49 of 1,614,098 alleles (0.003%); highest among the groups gnomAD compares: African/African-American, 0.049%; no homozygotes.

Submissions (4):

Labcorp Genetics (formerly Invitae), Labcorp
Classification: Uncertain significance. Last evaluated: 2025-07-14. Review status: criteria provided, single submitter. Criteria: Invitae Variant Classification Sherloc (09022015). Collection method: clinical testing. Allele origin: germline.
Comment: This sequence change replaces alanine, which is neutral and non-polar, with threonine, which is neutral and polar, at codon 819 of the EMC1 protein (p.Ala819Thr). This variant is present in population databases (rs371524055, gnomAD 0.08%). This variant has not been reported in the literature in individuals affected with EMC1-related conditions. ClinVar contains an entry for this variant (Variation ID: 1036283). Invitae Evidence Modeling of protein sequence and biophysical properties (such as structural, functional, and spatial information, amino acid conservation, physicochemical variation, residue mobility, and thermodynamic stability) indicates that this missense variant is not expected to disrupt EMC1 protein function with a negative predictive value of 80%. In summary, the available evidence is currently insufficient to determine the role of this variant in disease. Therefore, it has been classified as a Variant of Uncertain Significance.

GeneDx
Classification: Uncertain significance. Last evaluated: 2024-01-17. Review status: criteria provided, single submitter. Criteria: GeneDx Variant Classification Process June 2021. Collection method: clinical testing. Allele origin: germline. Affected: yes.
Comment: In silico analysis supports that this missense variant does not alter protein structure/function; Has not been previously published as pathogenic or benign to our knowledge

New York Genome Center
Classification: Uncertain significance for Cerebellar atrophy, visual impairment, and psychomotor retardation;. Last evaluated: 2023-05-11. Review status: criteria provided, single submitter. Criteria: NYGC Assertion Criteria 2020. Collection method: clinical testing. Allele origin: inherited. Observed: 1 compound heterozygote.
Comment: The c.2455G>A variant in EMC1 has not previously been reported in the literature and it has been deposited in ClinVar [ClinVar ID: 1036283] as a Variant of Uncertain Significance. The c.2455G>A variant is observed in 71 alleles (0.012% minor allele frequency with 0 homozygotes) in population databases (gnomAD v2.1.1 and v3.1.2,TOPMed Freeze 8). The c.2455G>A variant is located in exon 20 of this 23-exon gene and is predicted to replace a conserved alanine amino acid with threonine at position 819 (p.(Ala819Thr)) in the DUF1620 domain of the protein [PMID: 26942288, 35234901]. In silico predictions for p.(Ala819Thr) are inconclusive of the variant's effect [(CADD v1.6 = 22.7, REVEL = 0.067)]; however, there are no functional studies to support or refute these predictions. Based on available evidence this inherited c.2455G>A p.( Ala819Thr) variant identified in EMC1 is classified as a Variant of Uncertain Significance.

Blueprint Genetics
Classification: Uncertain significance. Last evaluated: 2021-11-30. Review status: criteria provided, single submitter. Criteria: ACMG Guidelines, 2015. Collection method: clinical testing. Allele origin: germline.

NM_015047.3(EMC1):c.2455G>A (p.Ala819Thr)

Genes: EMC1 (ER membrane protein complex subunit 1; minus strand), EMC1-AS1 (EMC1 antisense RNA 1; plus strand). Cytogenetic location: 1p36.13.
Variant type: single nucleotide variant.
Coding change: c.2455G>A on transcript NM_015047.3 (MANE Select); coding-DNA position 2455, G replaced by A.
Protein change: p.Ala819Thr; replaces alanine 819 with threonine.
Molecular consequence: missense variant.
Genome position (GRCh38, 1-based): chr1:19,222,756, C>T on the plus strand (G>A on the coding strand, the complement: EMC1 is on the minus strand). VCF-style: chr1-19222756-C-T. GRCh37 (hg19) VCF-style: chr1-19549250-C-T.
Other names: c.2452G>A, p.Ala818Thr (NM_001271427.2, NM_001271428.2); c.2389G>A, p.Ala797Thr (NM_001271429.2); c.2464G>A, p.Ala822Thr (NM_001375820.1); c.2461G>A, p.Ala821Thr (NM_001375821.1); c.2455G>A (NM_015047.2); short protein forms A818T, A821T, A797T, A822T, A819T.
Identifiers: ClinVar variation 1036283 (VCV001036283.9), dbSNP rs371524055, ClinGen allele CA652269.
Genomic context (GRCh38, chr1:19,222,756, plus strand): 5'-TATAGGACTGCTGGAGGACCTGGGGCAGCTGGGGGCGGTCCAGGGAGCTGAAGGCGGTGG[C>T]GTTGTATTGCTCAGTGCCCTCATAGAGCTCCAGTACGGTAAACTCGTTGCGCCGAGCCTT-3'
Protein context (NP_055862.1, residues 809-829): ELYEGTEQYN[Ala819Thr]TAFSSLDRPQ